The following is an entry in ClinVar:

NM_001172303.3(MASTL):c.2421T>C (p.Asn807=)

Gene: MASTL (microtubule associated serine/threonine kinase like; plus strand). Cytogenetic location: 10p12.1.
Variant type: single nucleotide variant.
Coding change: c.2421T>C on transcript NM_001172303.3 (MANE Select); coding-DNA position 2421, T replaced by C.
Protein change: p.Asn807=; no amino-acid change (asparagine 807 retained).
Molecular consequence: synonymous variant. On other transcripts: non-coding transcript variant (1).
Genome position (GRCh38, 1-based): chr10:27,181,520, T>C. VCF-style: chr10-27181520-T-C. GRCh37 (hg19) VCF-style: chr10-27470449-T-C.
Other names: p.Asn806=; c.2304T>C, p.Asn768= (NM_001172304.3); c.2433T>C, p.Asn811= (NM_001320756.2); c.2436T>C, p.Asn812= (NM_001320757.2); c.1953T>C, p.Asn651= (NM_001372029.1); c.1938T>C, p.Asn646= (NM_001372030.1); c.2418T>C, p.Asn806= (NM_032844.5).
Identifiers: ClinVar variation 4683500 (VCV004683500.1).

ClinVar aggregate classification (germline): Likely benign (1 of 4 stars; one submission).

gnomAD v4.1: 69 of 1,613,274 alleles (0.0043%); highest among the groups gnomAD compares: Non-Finnish European, 0.005%; 1 homozygote.

Submission:

Mayo Clinic Laboratories, Mayo Clinic
Classification: Likely benign. Last evaluated: 2025-09-03. Review status: criteria provided, single submitter. Criteria: ACMG Guidelines, 2015. Collection method: clinical testing. Allele origin: germline. Observed: 2 variant alleles.
Comment: BP4, BP7